The following is an entry in ClinVar:

NM_138927.4(SON):c.1000A>G (p.Ile334Val)

Gene: SON (SON DNA and RNA binding protein; plus strand). Cytogenetic location: 21q22.11.
Variant type: single nucleotide variant.
Coding change: c.1000A>G on transcript NM_138927.4 (MANE Select); coding-DNA position 1000, A replaced by G.
Protein change: p.Ile334Val; replaces isoleucine 334 with valine.
Molecular consequence: missense variant. On other transcripts: non-coding transcript variant (1), intron variant (1).
Genome position (GRCh38, 1-based): chr21:33,550,231, A>G. VCF-style: chr21-33550231-A-G. GRCh37 (hg19) VCF-style: chr21-34922537-A-G.
Other names: c.1000A>G, p.Ile334Val (NM_001291411.2, NM_032195.3); c.244+3852A>G (NM_001291412.3); short protein forms I334V.
Identifiers: ClinVar variation 3625055 (VCV003625055.2).

ClinVar aggregate classification (germline): Uncertain significance (1 of 4 stars; one submission).

gnomAD v4.1: 26 of 1,614,138 alleles (0.0016%); highest among the groups gnomAD compares: East Asian, 0.0067%; no homozygotes.

Submission:

Labcorp Genetics (formerly Invitae), Labcorp
Classification: Uncertain significance. Last evaluated: 2024-09-19. Review status: criteria provided, single submitter. Criteria: Invitae Variant Classification Sherloc (09022015). Collection method: clinical testing. Allele origin: germline.
Comment: This sequence change replaces isoleucine, which is neutral and non-polar, with valine, which is neutral and non-polar, at codon 334 of the SON protein (p.Ile334Val). This variant is present in population databases (rs778366713, gnomAD 0.01%). This variant has not been reported in the literature in individuals affected with SON-related conditions. An algorithm developed to predict the effect of missense changes on protein structure and function (PolyPhen-2) suggests that this variant is likely to be tolerated. In summary, the available evidence is currently insufficient to determine the role of this variant in disease. Therefore, it has been classified as a Variant of Uncertain Significance.